The following is an entry in ClinVar:

NM_000363.5(TNNI3):c.574C>T (p.Arg192Cys)

Gene: TNNI3 (troponin I3, cardiac type; minus strand). Cytogenetic location: 19q13.42.
Variant type: single nucleotide variant.
Coding change: c.574C>T on transcript NM_000363.5 (MANE Select); coding-DNA position 574, C replaced by T.
Protein change: p.Arg192Cys; replaces arginine 192 with cysteine.
Molecular consequence: missense variant.
Genome position (GRCh38, 1-based): chr19:55,151,893, G>A on the plus strand (C>T on the coding strand, the complement: TNNI3 is on the minus strand). VCF-style: chr19-55151893-G-A. GRCh37 (hg19) VCF-style: chr19-55663261-G-A.
Other names: short protein forms R192C.
Identifiers: ClinVar variation 165510 (VCV000165510.75), dbSNP rs727503499, ClinGen allele CA021951.

ClinVar aggregate classification (germline): Likely pathogenic. Review status: reviewed by expert panel (3 of 4 stars). 11 submissions from 11 submitters: Likely pathogenic (1). 10 of the submissions do not count toward it. Last evaluated 2025-11-13.

Conditions:
TNNI3-related disorder. Also called: TNNI3-related condition; TNNI3-related disorders.
Hypertrophic cardiomyopathy 7. Also called: CARDIOMYOPATHY, FAMILIAL HYPERTROPHIC, 7, MODIFIER OF; TNNI3-Related Familial Hypertrophic Cardiomyopathy; Familial hypertrophic cardiomyopathy 7. Identifiers: MedGen C1860752, MONDO:0013369, OMIM 613690.
Dilated cardiomyopathy 1FF (CMD1FF). Identifiers: Orphanet 154, MedGen C2750091, MONDO:0013211, OMIM 613286.
Dilated cardiomyopathy 2A (CMD2A). Also called: CARDIOMYOPATHY, CONGESTIVE, AUTOSOMAL RECESSIVE; CARDIOMYOPATHY, DILATED, AUTOSOMAL RECESSIVE. Identifiers: Orphanet 154, MedGen C2678474, MONDO:0012746, OMIM 611880.
Cardiomyopathy, familial restrictive, 1. Identifiers: Orphanet 75249, MedGen C1861861, MONDO:0007270, OMIM 115210.
Restrictive cardiomyopathy. Identifiers: Orphanet 217632, MedGen C0007196, MeSH D002313, MONDO:0005201, HP:0001723.
Hypertrophic cardiomyopathy. Also called: HYPERTROPHIC MYOCARDIOPATHY. Identifiers: Orphanet 217569, MedGen C0007194, MeSH D002312, MONDO:0005045, HP:0001639.

Submissions 1 to 8 of 11:

ClinGen Cardiomyopathy Variant Curation Expert Panel
Classification: Likely pathogenic for Hypertrophic cardiomyopathy. Last evaluated: 2025-11-13. Review status: reviewed by expert panel. Criteria: ClinGen CMP ACMG Specifications TNNI3 V1.0.0. Collection method: curation. Allele origin: germline. Inheritance: Autosomal dominant inheritance.
Comment: NM_000363.5(TNNI3):c.574C>T (p.Arg192Cys) - This variant has been reported in individuals with HCM and RCM (LMM data, PMIDs: 20800588, 21533915) and is statistically increased in individuals with cardiomyopathy compared to controls [OR lower 95% CI >5]. Therefore, the PS4_Supporting criterion has been applied. This variant is absent from gnomAD v2.1.1 (PM2_Supporting). This variant has been confirmed as de novo in multiple occurrences (PS2; LMM data). This variant lies in a region of the protein where variants are statistically more likely to be disease-associated (PMID: 30696458); however, PM1 cannot be applied in combination with PM5. Another variant involving this codon (p.Arg193His) has been identified in individuals with HCM and is classified as pathogenic in ClinVar/this VCEP (PM5). Computational prediction tools suggest that this variant may impact the protein (REVEL score >0.7; PP3). In summary, this variant is classified as Likely Pathogenic for HCM in an autosomal dominant manner based on PS4_Supporting, PM2_Supporting, PS2, PM5, and PP3.

Labcorp Genetics (formerly Invitae), Labcorp
Classification: Pathogenic for Hypertrophic cardiomyopathy. Last evaluated: 2025-03-17. Review status: criteria provided, single submitter. Criteria: Invitae Variant Classification Sherloc (09022015). Collection method: clinical testing. Allele origin: germline. Not counted in ClinVar's aggregate classification.
Comment: This sequence change replaces arginine, which is basic and polar, with cysteine, which is neutral and slightly polar, at codon 192 of the TNNI3 protein (p.Arg192Cys). This variant is not present in population databases (gnomAD no frequency). This missense change has been observed in individual(s) with clinical features of TNNI3-related conditions (PMID: 20800588, 21533915, 29907873; internal data). In at least one individual the variant was observed to be de novo. ClinVar contains an entry for this variant (Variation ID: 165510). An algorithm developed to predict the effect of missense changes on protein structure and function (PolyPhen-2) suggests that this variant is likely to be disruptive. This variant disrupts the p.Arg192 amino acid residue in TNNI3. Other variant(s) that disrupt this residue have been determined to be pathogenic (PMID: 12531876, 25611685). This suggests that this residue is clinically significant, and that variants that disrupt this residue are likely to be disease-causing. For these reasons, this variant has been classified as Pathogenic.

Genomic Medicine Center of Excellence, King Faisal Specialist Hospital and Research Centre
Classification: Likely pathogenic for Hypertrophic cardiomyopathy 7. Last evaluated: 2024-12-18. Review status: criteria provided, single submitter. Criteria: ACMG Guidelines, 2015. Collection method: clinical testing. Allele origin: germline. Not counted in ClinVar's aggregate classification.

Victorian Clinical Genetics Services, Murdoch Childrens Research Institute
Classification: Pathogenic for Cardiomyopathy, familial restrictive, 1. Last evaluated: 2023-07-17. Review status: criteria provided, single submitter. Criteria: ACMG Guidelines, 2015. Collection method: clinical testing. Allele origin: germline. Inheritance: Autosomal dominant inheritance. Affected: yes. Not counted in ClinVar's aggregate classification.
Comment: Based on the classification scheme VCGS_Germline_v1.3.4, this variant is classified as Pathogenic. Following criteria are met: 0103 - Gain of function and loss of function are reported mechanisms of disease in this gene. The former is associated with familial restrictive cardiomyopathy 1 (MIM#115210) and hypertrophic cardiomyopathy 7 (MIM#613690), while the latter is associated with dilated cardiomyopathy 1FF (MIM#613286) (PMIDs: 19914256, 21533915). (I) 0108 - This gene is associated with both recessive and dominant disease. The recessive form of inheritance is the exception and has only been reported in a small number of families (PMIDs: 15070570, 23270746). (I) 0112 - The condition associated with this gene has incomplete penetrance (PMIDs: 15607392, 32731933). (I) 0115 - Variants in this gene are known to have variable expressivity (PMID: 23270746). (I) 0200 - Variant is predicted to result in a missense amino acid change from arginine to cysteine. (I) 0251 - This variant is heterozygous. (I) 0301 - Variant is absent from gnomAD (both v2 and v3). (SP) 0501 - Missense variant consistently predicted to be damaging by multiple in silico tools or highly conserved with a major amino acid change. (SP) 0604 - Variant is not located in an established domain, motif, hotspot or informative constraint region. (I) 0701 - Other missense variants comparable to the one identified in this case have very strong previous evidence for pathogenicity. p.(Arg192Pro), p.(Arg192Leu) and p.(Arg192His) have been reported as likely pathogenic or pathogenic by multiple clinical testing laboratories (ClinVar, cardiodb, VCGS). (SP) 0801 - This variant has strong previous evidence of pathogenicity in unrelated individuals. It has been reported as pathogenic by multiple clinical testing laboratories, as a de novo variant in at least four children with restrictive cardiomyopathy (ClinVar, PMID: 33841591, PMID: 21533915), and as de novo in a case of sudden death (PMID: 34930847). (SP) 1208 - Inheritance information for this variant is not currently available in this individual. (I) Legend: (SP) - Supporting pathogenic, (I) - Information, (SB) - Supporting benign

GeneDx
Classification: Pathogenic. Last evaluated: 2022-10-27. Review status: criteria provided, single submitter. Criteria: GeneDx Variant Classification Process June 2021. Collection method: clinical testing. Allele origin: germline. Affected: yes. Not counted in ClinVar's aggregate classification.
Comment: Reported in additional unrelated patients with HCM or RCM in published literature (Millat et al., 2010; van den Wijngaard et al., 2011); Not observed at significant frequency in large population cohorts (gnomAD); In silico analysis supports that this missense variant has a deleterious effect on protein structure/function; This variant is associated with the following publications: (PMID: 21533915, 31064352, 35061126, 33429969, 33841591, 35345275, 34930847, 29907873, 20800588, 31568572, 31995186)

Blueprint Genetics
Classification: Pathogenic for TNNI3-related disorders. Last evaluated: 2021-10-15. Review status: criteria provided, single submitter. Criteria: ACMG Guidelines, 2015. Collection method: clinical testing. Allele origin: germline. Affected: yes. Observed: 2 variant alleles. Not counted in ClinVar's aggregate classification.

CeGaT Center for Human Genetics Tuebingen
Classification: Pathogenic. Last evaluated: 2018-06-01. Review status: criteria provided, single submitter. Criteria: CeGaT Center For Human Genetics Tuebingen Variant Classification Criteria Version 2. Collection method: clinical testing. Allele origin: germline. Affected: yes. Observed: 4 variant alleles. Not counted in ClinVar's aggregate classification.

Laboratory for Molecular Medicine, Mass General Brigham Personalized Medicine
Classification: Pathogenic for Restrictive cardiomyopathy. Last evaluated: 2018-02-09. Review status: criteria provided, single submitter. Criteria: LMM Criteria. Collection method: clinical testing. Allele origin: germline. Observed: 5 variant alleles. Not counted in ClinVar's aggregate classification.
Comment: The p.Arg192Cys variant in TNNI3 has been reported in 1 individual with HCM and 1 child with RCM (Millat 2010, van den Wijngaard 2011). In addition, the p.Arg19 2Cys variant has been identified by our laboratory in 3 children with RCM and 1 child with RCM and HCM, and identified as an apparently de novo occurrence in 3 of these cases. It was absent from large population studies. Computational predi ction tools and conservation analysis suggest that this variant may impact the p rotein, though this information is not predictive enough to determine pathogenic ity. Furthermore, three different pathogenic or likely pathogenic variants at th is position, (p.Arg192His, p.Arg192Pro, and p.Arg192Leu) have been identified in multiple individuals with HCM and/or RCM and have occurred de novo in multiple cases, strongly supporting that changes at this position may lead to disease. In summary, this variant meets criteria to be classified as pathogenic for RCM in an autosomal dominant manner based on the presence of this variant in affected i ndividuals with multiple de novo occurrences, absence from controls, and presenc e of other pathogenic variants involving this codon. ACMG/AMP Criteria applied: PM6_Strong, PM2, PS4_Moderate, PM5, PP3.